The following is an entry in ClinVar:

ClinVar aggregate classification (germline): Uncertain significance (1 of 4 stars; one submission).

Submission:

Women's Health and Genetics/Laboratory Corporation of America, LabCorp
Classification: Uncertain significance. Last evaluated: 2023-08-08. Review status: criteria provided, single submitter. Criteria: LabCorp Variant Classification Summary - May 2015. Collection method: clinical testing. Allele origin: germline.
Comment: Variant summary: TM4SF20 c.322delG (p.Ala108LeufsX3) results in a premature termination codon, predicted to cause a truncation of the encoded protein or absence of the protein due to nonsense mediated decay, however the molecular mechanism of disease attributed to TM4SF20 is gain-of-function. The variant was absent in 251338 control chromosomes. The available data on variant occurrences in the general population are insufficient to allow any conclusion about variant significance. To our knowledge, no occurrence of c.322delG in individuals affected with Specific Language Impairment 5 and no experimental evidence demonstrating its impact on protein function have been reported. No submitters have cited clinical-significance assessments for this variant to ClinVar after 2014. Based on the evidence outlined above, the variant was classified as uncertain significance.

NM_024795.4(TM4SF20):c.322del (p.Ala108fs)

Gene: TM4SF20 (transmembrane 4 L six family member 20; minus strand). Cytogenetic location: 2q36.3.
Variant type: Deletion.
Coding change: c.322del on transcript NM_024795.4 (MANE Select); coding-DNA position 322, one base deleted (G; older notation c.322delG).
Protein change: p.Ala108fs; shifts the reading frame from alanine 108.
Molecular consequence: frameshift variant.
Genome position (GRCh38, 1-based): chr2:227,366,172, C deleted on the plus strand (G on the coding strand, the reverse complement: TM4SF20 is on the minus strand); the first of 2 consecutive C bases (chr2:227,366,172-227,366,173); deleting either gives the same sequence. VCF-style (leftmost placement, unchanged base first): chr2-227366171-GC-G. GRCh37 (hg19) VCF-style: chr2-228230887-GC-G.
Other names: c.322delG (NM_024795.4); short protein forms A108fs.
Identifiers: ClinVar variation 2581585 (VCV002581585.1), dbSNP rs2470195745, ClinGen allele CA2582342828.